The following is an entry in ClinVar:

NM_006231.4(POLE):c.2864+4G>A

Gene: POLE (DNA polymerase epsilon, catalytic subunit; minus strand). Cytogenetic location: 12q24.33.
Variant type: single nucleotide variant.
Coding change: c.2864+4G>A on transcript NM_006231.4 (MANE Select); 4 bases into the intron after coding-DNA position 2864, G replaced by A.
Molecular consequence: intron variant.
Genome position (GRCh38, 1-based): chr12:132,661,523, C>T on the plus strand (G>A on the coding strand, the complement: POLE is on the minus strand). VCF-style: chr12-132661523-C-T. GRCh37 (hg19) VCF-style: chr12-133238109-C-T.
Identifiers: ClinVar variation 950884 (VCV000950884.9), dbSNP rs2042681218, ClinGen allele CA1139662978.

ClinVar aggregate classification (germline): Uncertain significance (1 of 4 stars; one submission).

Submission:

Labcorp Genetics (formerly Invitae), Labcorp
Classification: Uncertain significance. Last evaluated: 2021-03-29. Review status: criteria provided, single submitter. Criteria: Invitae Variant Classification Sherloc (09022015). Collection method: clinical testing. Allele origin: germline.
Comment: Nucleotide substitutions within the consensus splice site are a relatively common cause of aberrant splicing (PMID: 17576681, 9536098). Algorithms developed to predict the effect of sequence changes on RNA splicing suggest that this variant is not likely to affect RNA splicing, but this prediction has not been confirmed by published transcriptional studies. This variant is not present in population databases (ExAC no frequency). This variant has not been reported in the literature in individuals with POLE-related conditions. In summary, the available evidence is currently insufficient to determine the role of this variant in disease. Therefore, it has been classified as a Variant of Uncertain Significance. This sequence change falls in intron 24 of the POLE gene. It does not directly change the encoded amino acid sequence of the POLE protein, but it affects a nucleotide within the consensus splice site of the intron.

Literature cited by the submitters: PubMed 17576681; PubMed 9536098.